The following is an entry in ClinVar:

ClinVar aggregate classification (germline): Uncertain significance (1 of 4 stars; one submission).

gnomAD v4.1: 1 of 1,614,190 alleles (0.000062%); highest among the groups gnomAD compares: Non-Finnish European, 0.000085%; no homozygotes.

Submission:

Dasa
Classification: Uncertain significance. Last evaluated: 2024-12-20. Review status: criteria provided, single submitter. Criteria: DASA Assertion Criteria. Collection method: clinical testing. Allele origin: germline.
Comment: NM_170606.3(KMT2C):c.8576A>T (p.His2859Leu) is a missense variant that results in the substitution of histidine with leucine. This variant is rare in population databases. Computational prediction algorithms are consistent with a benign effect. The currently available literature and clinical evidence are not sufficient to establish a definitive association between this variant and the reported condition. Therefore, this variant is classified as a variant of uncertain significance.

NM_170606.3(KMT2C):c.8576A>T (p.His2859Leu)

Gene: KMT2C (lysine methyltransferase 2C; minus strand). Cytogenetic location: 7q36.1.
Variant type: single nucleotide variant.
Coding change: c.8576A>T on transcript NM_170606.3 (MANE Select); coding-DNA position 8576, A replaced by T.
Protein change: p.His2859Leu; replaces histidine 2859 with leucine.
Molecular consequence: missense variant.
Genome position (GRCh38, 1-based): chr7:152,176,877, T>A on the plus strand (A>T on the coding strand, the complement: KMT2C is on the minus strand). VCF-style: chr7-152176877-T-A. GRCh37 (hg19) VCF-style: chr7-151873962-T-A.
Other names: short protein forms H2859L.
Identifiers: ClinVar variation 4881365 (VCV004881365.2).